The following is an entry in ClinVar:

ClinVar aggregate classification (germline): Uncertain significance (1 of 4 stars; one submission).

Conditions:
Cerebral folate transport deficiency. Also called: NEURODEGENERATION DUE TO CEREBRAL FOLATE TRANSPORT DEFICIENCY; Neurodegenerative syndrome due to cerebral folate transport deficiency; FOLATE RECEPTOR DEFICIENCY; Cerebral folate deficiency syndrome; FOLR1-Related Cerebral Folate Transport Deficiency. Identifiers: Orphanet 217382, MedGen C2751584, MONDO:0013110, OMIM 613068. Disease mechanism: loss of function.

Submission:

Labcorp Genetics (formerly Invitae), Labcorp
Classification: Uncertain significance for Cerebral folate transport deficiency. Last evaluated: 2024-08-17. Review status: criteria provided, single submitter. Criteria: Invitae Variant Classification Sherloc (09022015). Collection method: clinical testing. Allele origin: germline.
Comment: This sequence change replaces alanine, which is neutral and non-polar, with aspartic acid, which is acidic and polar, at codon 173 of the FOLR1 protein (p.Ala173Asp). This variant is present in population databases (rs771341970, gnomAD 0.05%). This variant has not been reported in the literature in individuals affected with FOLR1-related conditions. Invitae Evidence Modeling of protein sequence and biophysical properties (such as structural, functional, and spatial information, amino acid conservation, physicochemical variation, residue mobility, and thermodynamic stability) indicates that this missense variant is not expected to disrupt FOLR1 protein function with a negative predictive value of 80%. In summary, the available evidence is currently insufficient to determine the role of this variant in disease. Therefore, it has been classified as a Variant of Uncertain Significance.

NM_016729.3(FOLR1):c.518C>A (p.Ala173Asp)

Genes: FOLR1 (folate receptor alpha; plus strand), FOLR1-AS1 (FOLR1 antisense RNA 1; minus strand). Cytogenetic location: 11q13.4.
Variant type: single nucleotide variant.
Coding change: c.518C>A on transcript NM_016729.3 (MANE Select); coding-DNA position 518, C replaced by A.
Protein change: p.Ala173Asp; replaces alanine 173 with aspartic acid.
Molecular consequence: missense variant.
Genome position (GRCh38, 1-based): chr11:72,195,921, C>A. VCF-style: chr11-72195921-C-A. GRCh37 (hg19) VCF-style: chr11-71906965-C-A.
Other names: c.518C>A, p.Ala173Asp (NM_000802.3, NM_016724.3, NM_016725.3); short protein forms A173D.
Identifiers: ClinVar variation 3627780 (VCV003627780.2).